The following is an entry in ClinVar:

ClinVar aggregate classification (germline): Pathogenic (1 of 4 stars; one submission).

Conditions:
Junctional epidermolysis bullosa. Identifiers: Orphanet 305, MedGen C0079301, MONDO:0017612.

Submission:

Myriad Genetics, Inc.
Classification: Pathogenic for Junctional epidermolysis bullosa. Last evaluated: 2023-09-03. Review status: criteria provided, single submitter. Criteria: Myriad Autosomal Dominant, Autosomal Recessive and X-Linked Classification Criteria (2023). Collection method: clinical testing. Allele origin: unknown.
Comment: NM_005562.2(LAMC2):c.2644_2645delTC(S882Kfs*9) is expected to be pathogenic in the context of junctional epidermolysis bullosa, LAMC2-related. This variant is predicted to lead to an abnormal or absent protein product due to the creation of a premature termination codon in LAMC2, a gene where loss-of-function variants are known to be pathogenic. Please note: this variant was assessed in the context of healthy population screening.

NM_005562.3(LAMC2):c.2644_2645del (p.Ser882fs)

Gene: LAMC2 (laminin subunit gamma 2; plus strand). Cytogenetic location: 1q25.3.
Variant type: Microsatellite.
Coding change: c.2644_2645del on transcript NM_005562.3 (MANE Select); coding-DNA positions 2644 to 2645, 2 bases deleted (TC; older notation c.2644_2645delTC).
Protein change: p.Ser882fs; shifts the reading frame from serine 882.
Molecular consequence: frameshift variant.
Genome position (GRCh38, 1-based): chr1:183,237,394-183,237,395, TC deleted; deleting any 2 consecutive bases within chr1:183,237,391-183,237,395 gives the same sequence; the c. name uses the placement nearest the transcript's 3' end. VCF-style (leftmost placement, unchanged base first): chr1-183237390-ACT-A. GRCh37 (hg19) VCF-style: chr1-183206525-ACT-A.
Other names: c.2644_2645del, p.Ser882fs (NM_018891.3); short protein forms S882fs.
Identifiers: ClinVar variation 5011529 (VCV005011529.1).